The following is an entry in ClinVar:

NM_003265.3(TLR3):c.751C>G (p.Arg251Gly)

Gene: TLR3 (toll like receptor 3; plus strand). Cytogenetic location: 4q35.1.
Variant type: single nucleotide variant.
Coding change: c.751C>G on transcript NM_003265.3 (MANE Select); coding-DNA position 751, C replaced by G.
Protein change: p.Arg251Gly; replaces arginine 251 with glycine.
Molecular consequence: missense variant.
Genome position (GRCh38, 1-based): chr4:186,082,437, C>G. VCF-style: chr4-186082437-C-G. GRCh37 (hg19) VCF-style: chr4-187003591-C-G.
Other names: short protein forms R251G.
Identifiers: ClinVar variation 3690569 (VCV003690569.2).

ClinVar aggregate classification (germline): Uncertain significance (1 of 4 stars; one submission).

Conditions:
Encephalopathy, acute, infection-induced (herpes-specific), susceptibility to, 1. Also called: Herpes simplex encephalitis, susceptibility to, 1. Identifiers: Orphanet 1930, MedGen C2750180, MONDO:0024563, OMIM 610551.

gnomAD v4.1: 12 of 1,614,062 alleles (0.00074%); highest among the groups gnomAD compares: Middle Eastern, 0.016%; no homozygotes.

Submission:

Labcorp Genetics (formerly Invitae), Labcorp
Classification: Uncertain significance for Encephalopathy, acute, infection-induced (herpes-specific), susceptibility to, 1. Last evaluated: 2026-02-03. Review status: criteria provided, single submitter. Criteria: Invitae Variant Classification Sherloc (09022015). Collection method: clinical testing. Allele origin: germline.
Comment: This sequence change replaces arginine, which is basic and polar, with glycine, which is neutral and non-polar, at codon 251 of the TLR3 protein (p.Arg251Gly). This variant is present in population databases (rs780051344, gnomAD 0.003%). This variant has not been reported in the literature in individuals affected with TLR3-related conditions. ClinVar contains an entry for this variant (Variation ID: 3690569). An algorithm developed to predict the effect of missense changes on protein structure and function (PolyPhen-2) suggests that this variant is likely to be tolerated. In summary, the available evidence is currently insufficient to determine the role of this variant in disease. Therefore, it has been classified as a Variant of Uncertain Significance.